The following is an entry in ClinVar:

ClinVar aggregate classification (germline): Conflicting classifications of pathogenicity. Review status: criteria provided, conflicting classifications (1 of 4 stars). 4 submissions from 4 submitters: Uncertain significance (3); Likely benign (1). Last evaluated 2025-10-23.

Conditions:
Inborn genetic diseases. Identifiers: MedGen C0950123, MeSH D030342.
Glycogen storage disease IXd (GSD9D). Also called: GSD IXd; Muscle Phosphorylase Kinase Deficiency. Identifiers: Orphanet 715, MedGen C1845151, MONDO:0010362, OMIM 300559.

Allele frequency attached by ClinVar (database versions not stated): gnomAD exomes 0.00001 and 0.00002; ExAC 0.00002; gnomAD 0.00002; TOPMed 0.00002.

Submissions (4):

Labcorp Genetics (formerly Invitae), Labcorp
Classification: Uncertain significance for Glycogen storage disease IXd. Last evaluated: 2025-10-23. Review status: criteria provided, single submitter. Criteria: Invitae Variant Classification Sherloc (09022015). Collection method: clinical testing. Allele origin: germline.
Comment: This sequence change replaces methionine, which is neutral and non-polar, with valine, which is neutral and non-polar, at codon 1030 of the PHKA1 protein (p.Met1030Val). The frequency data for this variant in the population databases is considered unreliable, as metrics indicate poor data quality at this position in the gnomAD database. This variant has not been reported in the literature in individuals affected with PHKA1-related conditions. ClinVar contains an entry for this variant (Variation ID: 1319181). An algorithm developed to predict the effect of missense changes on protein structure and function outputs the following: PolyPhen-2: "Benign". The valine amino acid residue is found in multiple mammalian species, which suggests that this missense change does not adversely affect protein function. In summary, the available evidence is currently insufficient to determine the role of this variant in disease. Therefore, it has been classified as a Variant of Uncertain Significance.

Ambry Genetics
Classification: Likely benign for Inborn genetic diseases. Last evaluated: 2024-06-26. Review status: criteria provided, single submitter. Criteria: Ambry Variant Classification Scheme 2023. Collection method: clinical testing. Allele origin: germline.

Revvity Omics, Revvity
Classification: Uncertain significance for Glycogen storage disease IXd. Last evaluated: 2024-02-21. Review status: criteria provided, single submitter. Criteria: ACMG Guidelines, 2015. Collection method: clinical testing. Allele origin: germline.

Institute for Clinical Genetics, University Hospital TU Dresden, University Hospital TU Dresden
Classification: Uncertain significance. Last evaluated: 2021-11-03. Review status: criteria provided, single submitter. Criteria: ACMG Guidelines, 2015. Collection method: clinical testing. Allele origin: germline.

NM_002637.4(PHKA1):c.3088A>G (p.Met1030Val)

Gene: PHKA1 (phosphorylase kinase regulatory subunit alpha 1; minus strand). Cytogenetic location: Xq13.1.
Variant type: single nucleotide variant.
Coding change: c.3088A>G on transcript NM_002637.4 (MANE Select); coding-DNA position 3088, A replaced by G.
Protein change: p.Met1030Val; replaces methionine 1030 with valine.
Molecular consequence: missense variant.
Genome position (GRCh38, 1-based): chrX:72,593,259, T>C on the plus strand (A>G on the coding strand, the complement: PHKA1 is on the minus strand). VCF-style: chrX-72593259-T-C. GRCh37 (hg19) VCF-style: chrX-71813109-T-C.
Other names: c.3049A>G, p.Met1017Val (NM_001122670.2); c.2872A>G, p.Met958Val (NM_001172436.2); short protein forms M1017V, M1030V, M958V.
Identifiers: ClinVar variation 1319181 (VCV001319181.9), dbSNP rs782360415, ClinGen allele CA10450524.